The following is an entry in ClinVar:

ClinVar aggregate classification (germline): Uncertain significance. Review status: criteria provided, multiple submitters, no conflicts (2 of 4 stars). 2 submissions from 2 submitters: Uncertain significance (2). Last evaluated 2025-02-13.

Conditions:
Intellectual developmental disorder, X-linked 101. Also called: Intellectual disability, X-linked 101. Identifiers: Orphanet 777, MedGen C3890168, MONDO:0010489, OMIM 300928.

Allele frequency attached by ClinVar (database versions not stated): gnomAD exomes below 0.00001; gnomAD 0.00002.
gnomAD v4.1: 4 of 1,203,870 alleles (0.00033%); highest among the groups gnomAD compares: Admixed American, 0.0065%; no homozygotes.

Submissions (2):

Laboratorio de Genetica e Diagnostico Molecular, Hospital Israelita Albert Einstein
Classification: Uncertain significance for Intellectual developmental disorder, X-linked 101. Last evaluated: 2025-02-13. Review status: criteria provided, single submitter. Criteria: ACMG Guidelines, 2015. Collection method: clinical testing. Allele origin: germline. Affected: yes.
Comment: ACMG classification criteria: PM2 supporting

Women's Health and Genetics/Laboratory Corporation of America, LabCorp
Classification: Uncertain significance. Last evaluated: 2023-12-13. Review status: criteria provided, single submitter. Criteria: LabCorp Variant Classification Summary - May 2015. Collection method: clinical testing. Allele origin: germline.
Comment: Variant summary: MID2 c.1435+1G>A is located in a canonical splice-site and is predicted to affect mRNA splicing resulting in a significantly altered protein due to either exon skipping, shortening, or inclusion of intronic material. Current evidence is not sufficient to establish such variants in MID2 as causative of disease. Consensus agreement among computation tools predict no significant impact on normal splicing. However, these predictions have yet to be confirmed by functional studies. The variant allele was found at a frequency of 5.5e-06 in 182632 control chromosomes. The available data on variant occurrences in the general population are insufficient to allow any conclusion about variant significance. To our knowledge, no occurrence of c.1435+1G>A in individuals affected with Intellectual Disability, X-Linked 101 and no experimental evidence demonstrating its impact on protein function have been reported. No submitters have cited clinical-significance assessments for this variant to ClinVar after 2014. Based on the evidence outlined above, the variant was classified as uncertain significance.

NM_012216.4(MID2):c.1435+1G>A

Genes: MID2 (midline 2; plus strand), LOC101928335 (uncharacterized LOC101928335; minus strand). Cytogenetic location: Xq22.3.
Variant type: single nucleotide variant.
Coding change: c.1435+1G>A on transcript NM_012216.4 (MANE Select); the canonical splice donor site of the intron after coding-DNA position 1435, G replaced by A.
Molecular consequence: splice donor variant. On other transcripts: intron variant (2).
Genome position (GRCh38, 1-based): chrX:107,917,740, G>A. VCF-style: chrX-107917740-G-A. GRCh37 (hg19) VCF-style: chrX-107160970-G-A.
Other names: c.1375+1G>A (NM_001382751.1); c.1285+91G>A (NM_001382752.1); c.1345+91G>A (NM_052817.3).
Identifiers: ClinVar variation 2691674 (VCV002691674.2), dbSNP rs1193231594, ClinGen allele CA413898793.